The following is an entry in ClinVar:

ClinVar aggregate classification (germline): Uncertain significance. Review status: criteria provided, multiple submitters, no conflicts (2 of 4 stars). 3 submissions from 3 submitters: Uncertain significance (3). Last evaluated 2024-06-28.

Conditions:
Autosomal recessive ataxia, Beauce type. Also called: Spinocerebellar ataxia, autosomal recessive 8; ATAXIA, RECESSIVE, OF BEAUCE; SYNE1 Deficiency; SYNE1-Related Autosomal Recessive Cerebellar Ataxia. Identifiers: Orphanet 88644, MedGen C1853116, MONDO:0012549, OMIM 610743.
Emery-Dreifuss muscular dystrophy 4, autosomal dominant (EDMD4). Also called: EMERY-DREIFUSS MUSCULAR DYSTROPHY 4 WITH VARIABLE FEATURES. Identifiers: Orphanet 261, MedGen C2751807, MONDO:0013071, OMIM 612998.

Allele frequency attached by ClinVar (database versions not stated): gnomAD exomes below 0.00001; ExAC 0.00001; TOPMed 0.00002.
gnomAD v4.1: 1 of 1,613,904 alleles (0.000062%); highest among the groups gnomAD compares: South Asian, 0.0011%; no homozygotes.

Submissions (3):

Labcorp Genetics (formerly Invitae), Labcorp
Classification: Uncertain significance for Emery-Dreifuss muscular dystrophy 4, autosomal dominant; Autosomal recessive ataxia, Beauce type. Last evaluated: 2024-06-28. Review status: criteria provided, single submitter. Criteria: Invitae Variant Classification Sherloc (09022015). Collection method: clinical testing. Allele origin: germline.
Comment: This sequence change replaces aspartic acid, which is acidic and polar, with asparagine, which is neutral and polar, at codon 6888 of the SYNE1 protein (p.Asp6888Asn). This variant is present in population databases (rs778417284, gnomAD 0.003%). This variant has not been reported in the literature in individuals affected with SYNE1-related conditions. ClinVar contains an entry for this variant (Variation ID: 596073). An algorithm developed to predict the effect of missense changes on protein structure and function (PolyPhen-2) suggests that this variant is likely to be disruptive. In summary, the available evidence is currently insufficient to determine the role of this variant in disease. Therefore, it has been classified as a Variant of Uncertain Significance.

Revvity Omics, Revvity
Classification: Uncertain significance. Last evaluated: 2019-11-08. Review status: criteria provided, single submitter. Criteria: ACMG Guidelines, 2015. Collection method: clinical testing. Allele origin: germline.

Eurofins Ntd Llc (ga)
Classification: Uncertain significance. Last evaluated: 2018-02-15. Review status: criteria provided, single submitter. Criteria: EGL ClinVar v180209 classification definitions. Collection method: clinical testing. Allele origin: germline. Observed: 1 variant allele, 1 heterozygote.

NM_182961.4(SYNE1):c.20875G>A (p.Asp6959Asn)

Gene: SYNE1 (spectrin repeat containing nuclear envelope protein 1; minus strand). Cytogenetic location: 6q25.2.
Variant type: single nucleotide variant.
Coding change: c.20875G>A on transcript NM_182961.4 (MANE Select); coding-DNA position 20875, G replaced by A.
Protein change: p.Asp6959Asn; replaces aspartic acid 6959 with asparagine.
Molecular consequence: missense variant.
Genome position (GRCh38, 1-based): chr6:152,231,555, C>T on the plus strand (G>A on the coding strand, the complement: SYNE1 is on the minus strand). VCF-style: chr6-152231555-C-T. GRCh37 (hg19) VCF-style: chr6-152552690-C-T.
Other names: c.20662G>A (NM_033071.3); c.20662G>A, p.Asp6888Asn (NM_033071.5); short protein forms D6959N, D6888N.
Identifiers: ClinVar variation 596073 (VCV000596073.10), dbSNP rs778417284, ClinGen allele CA4054304.